The following is an entry in ClinVar:

ClinVar aggregate classification (germline): Uncertain significance (1 of 4 stars; one submission).

Conditions:
Ataxia-telangiectasia syndrome (AT). Also called: LOUIS-BAR SYNDROME; Cerebello-oculocutaneous telangiectasia; Immunodeficiency with ataxia telangiectasia; Ataxia-telangiectasia, complementation group D; AT, COMPLEMENTATION GROUP C; Ataxia-telangiectasia, complementation group E. Identifiers: Orphanet 100, MedGen C0004135, MONDO:0008840, OMIM 208900.

Allele frequency attached by ClinVar (database versions not stated): TOPMed below 0.00001.
gnomAD v4.1: 2 of 1,612,800 alleles (0.00012%); highest among the groups gnomAD compares: Non-Finnish European, 0.000085%; no homozygotes.

Submission:

Labcorp Genetics (formerly Invitae), Labcorp
Classification: Uncertain significance for Ataxia-telangiectasia syndrome. Last evaluated: 2021-05-08. Review status: criteria provided, single submitter. Criteria: Invitae Variant Classification Sherloc (09022015). Collection method: clinical testing. Allele origin: germline.
Comment: This sequence change replaces leucine with phenylalanine at codon 2128 of the ATM protein (p.Leu2128Phe). The leucine residue is highly conserved and there is a small physicochemical difference between leucine and phenylalanine. This variant is not present in population databases (ExAC no frequency). This variant has not been reported in the literature in individuals with ATM-related conditions. ClinVar contains an entry for this variant (Variation ID: 407604). Algorithms developed to predict the effect of missense changes on protein structure and function are either unavailable or do not agree on the potential impact of this missense change (SIFT: "Deleterious"; PolyPhen-2: "Possibly Damaging"; Align-GVGD: "Class C0"). In summary, the available evidence is currently insufficient to determine the role of this variant in disease. Therefore, it has been classified as a Variant of Uncertain Significance.

NM_000051.4(ATM):c.6384G>C (p.Leu2128Phe)

Genes: ATM (ATM serine/threonine kinase; plus strand), C11orf65 (chromosome 11 open reading frame 65; minus strand). Cytogenetic location: 11q22.3.
Variant type: single nucleotide variant.
Coding change: c.6384G>C on transcript NM_000051.4 (MANE Select); coding-DNA position 6384, G replaced by C.
Protein change: p.Leu2128Phe; replaces leucine 2128 with phenylalanine.
Molecular consequence: missense variant. On other transcripts: intron variant (2).
Genome position (GRCh38, 1-based): chr11:108,319,990, G>C. VCF-style: chr11-108319990-G-C. GRCh37 (hg19) VCF-style: chr11-108190717-G-C.
Other names: c.6384G>C, p.Leu2128Phe (NM_001351834.2); c.641-10919C>G (NM_001330368.2); c.*39-10919C>G (NM_001351110.2); short protein forms L2128F.
Identifiers: ClinVar variation 407604 (VCV000407604.9), dbSNP rs1060501629, ClinGen allele CA16613184.